The following is an entry in ClinVar:

NM_002488.5(NDUFA2):c.209-28T>C

Genes: TMCO6 (transmembrane and coiled-coil domains 6; plus strand), NDUFA2 (NADH:ubiquinone oxidoreductase subunit A2; minus strand). Cytogenetic location: 5q31.3.
Variant type: single nucleotide variant.
Coding change: c.209-28T>C on transcript NM_002488.5 (MANE Select); 28 bases into the intron before coding-DNA position 209, T replaced by C.
Molecular consequence: intron variant. On other transcripts: synonymous variant (1).
Genome position (GRCh38, 1-based): chr5:140,645,706, A>G on the plus strand (T>C on the coding strand, the complement: NDUFA2 is on the minus strand). VCF-style: chr5-140645706-A-G. GRCh37 (hg19) VCF-style: chr5-140025291-A-G.
Other names: c.228T>C, p.Ser76= (NM_001185012.2); c.228T>C (NM_001185012.1).
Identifiers: ClinVar variation 509200 (VCV000509200.10), dbSNP rs370364457, ClinGen allele CA3442466.

ClinVar aggregate classification (germline): Likely benign. Review status: criteria provided, multiple submitters, no conflicts (2 of 4 stars). 3 submissions from 3 submitters: Likely benign (2). 1 of the submissions does not count toward it. Last evaluated 2025-09-01.

Conditions:
NDUFA2-related disorder. Also called: NDUFA2-related condition.

Allele frequency attached by ClinVar (database versions not stated): gnomAD 0.00009 and 0.00010; gnomAD exomes 0.00010 and 0.00019; TOPMed 0.00015; ESP Exome Variant Server 0.00023; ExAC 0.00009.
gnomAD v4.1: 319 of 1,614,040 alleles (0.02%); highest among the groups gnomAD compares: Non-Finnish European, 0.024%; no homozygotes.

Submissions (3):

CeGaT Center for Human Genetics Tuebingen
Classification: Likely benign. Last evaluated: 2025-09-01. Review status: criteria provided, single submitter. Criteria: CeGaT Center For Human Genetics Tuebingen Variant Classification Criteria Version 2. Collection method: clinical testing. Allele origin: germline. Affected: yes. Observed: 1 variant allele.
Comment: NDUFA2: BP4, BP7

GeneDx
Classification: Likely benign. Last evaluated: 2017-05-03. Review status: criteria provided, single submitter. Criteria: GeneDx Variant Classification (06012015). Collection method: clinical testing. Allele origin: germline. Affected: yes.
Comment: This variant is considered likely benign or benign based on one or more of the following criteria: it is a conservative change, it occurs at a poorly conserved position in the protein, it is predicted to be benign by multiple in silico algorithms, and/or has population frequency not consistent with disease.

PreventionGenetics, part of Exact Sciences
Classification: Likely benign for NDUFA2-related condition. Last evaluated: 2022-07-07. Review status: no assertion criteria provided. Collection method: clinical testing. Allele origin: germline. Not counted in ClinVar's aggregate classification.
Comment: This variant is classified as likely benign based on ACMG/AMP sequence variant interpretation guidelines (Richards et al. 2015 PMID: 25741868, with internal and published modifications).